The following is an entry in ClinVar:

NM_020937.4(FANCM):c.5375G>A (p.Gly1792Glu)

Gene: FANCM (FA complementation group M; plus strand). Cytogenetic location: 14q21.2.
Variant type: single nucleotide variant.
Coding change: c.5375G>A on transcript NM_020937.4 (MANE Select); coding-DNA position 5375, G replaced by A.
Protein change: p.Gly1792Glu; replaces glycine 1792 with glutamic acid.
Molecular consequence: missense variant.
Genome position (GRCh38, 1-based): chr14:45,196,206, G>A. VCF-style: chr14-45196206-G-A. GRCh37 (hg19) VCF-style: chr14-45665409-G-A.
Other names: c.5297G>A, p.Gly1766Glu (NM_001308133.2); short protein forms G1766E, G1792E.
Identifiers: ClinVar variation 2144865 (VCV002144865.5), dbSNP rs1890045901, ClinGen allele CA389585592.

ClinVar aggregate classification (germline): Uncertain significance. Review status: criteria provided, multiple submitters, no conflicts (2 of 4 stars). 2 submissions from 2 submitters: Uncertain significance (2). Last evaluated 2025-03-10.

Conditions:
Fanconi anemia (FA). Also called: Fanconi's anemia. Identifiers: Orphanet 84, MedGen C0015625, MeSH D005199, MONDO:0019391.
Inborn genetic diseases. Identifiers: MedGen C0950123, MeSH D030342.

Allele frequency attached by ClinVar (database versions not stated): TOPMed below 0.00001.

Submissions (2):

Ambry Genetics
Classification: Uncertain significance for Inborn genetic diseases. Last evaluated: 2025-03-10. Review status: criteria provided, single submitter. Criteria: Ambry Variant Classification Scheme 2023. Collection method: clinical testing. Allele origin: germline.
Comment: The p.G1792E variant (also known as c.5375G>A), located in coding exon 21 of the FANCM gene, results from a G to A substitution at nucleotide position 5375. The glycine at codon 1792 is replaced by glutamic acid, an amino acid with similar properties. This amino acid position is conserved. In addition, this alteration is predicted to be tolerated by in silico analysis. Based on the available evidence, the clinical significance of this variant remains unclear.

Labcorp Genetics (formerly Invitae), Labcorp
Classification: Uncertain significance for Fanconi anemia. Last evaluated: 2022-06-30. Review status: criteria provided, single submitter. Criteria: Invitae Variant Classification Sherloc (09022015). Collection method: clinical testing. Allele origin: germline.
Comment: This variant is not present in population databases (gnomAD no frequency). This sequence change replaces glycine, which is neutral and non-polar, with glutamic acid, which is acidic and polar, at codon 1792 of the FANCM protein (p.Gly1792Glu). This variant has not been reported in the literature in individuals affected with FANCM-related conditions. In summary, the available evidence is currently insufficient to determine the role of this variant in disease. Therefore, it has been classified as a Variant of Uncertain Significance. Algorithms developed to predict the effect of missense changes on protein structure and function (SIFT, PolyPhen-2, Align-GVGD) all suggest that this variant is likely to be tolerated.